The following is an entry in ClinVar:

ClinVar aggregate classification (germline): Uncertain significance (1 of 4 stars; one submission).

Submission:

Labcorp Genetics (formerly Invitae), Labcorp
Classification: Uncertain significance. Last evaluated: 2022-07-01. Review status: criteria provided, single submitter. Criteria: Invitae Variant Classification Sherloc (09022015). Collection method: clinical testing. Allele origin: germline.
Comment: This variant is not present in population databases (gnomAD no frequency). This sequence change replaces phenylalanine, which is neutral and non-polar, with leucine, which is neutral and non-polar, at codon 720 of the TOP3A protein (p.Phe720Leu). This variant has not been reported in the literature in individuals affected with TOP3A-related conditions. In summary, the available evidence is currently insufficient to determine the role of this variant in disease. Therefore, it has been classified as a Variant of Uncertain Significance. Algorithms developed to predict the effect of missense changes on protein structure and function are either unavailable or do not agree on the potential impact of this missense change (SIFT: "Not Available"; PolyPhen-2: "Benign"; Align-GVGD: "Not Available").

NM_004618.5(TOP3A):c.2160T>A (p.Phe720Leu)

Gene: TOP3A (DNA topoisomerase III alpha; minus strand). Cytogenetic location: 17p11.2.
Variant type: single nucleotide variant.
Coding change: c.2160T>A on transcript NM_004618.5 (MANE Select); coding-DNA position 2160, T replaced by A.
Protein change: p.Phe720Leu; replaces phenylalanine 720 with leucine.
Molecular consequence: missense variant.
Genome position (GRCh38, 1-based): chr17:18,278,342, A>T on the plus strand (T>A on the coding strand, the complement: TOP3A is on the minus strand). VCF-style: chr17-18278342-A-T. GRCh37 (hg19) VCF-style: chr17-18181656-A-T.
Other names: c.1875T>A, p.Phe625Leu (NM_001320759.2); short protein forms F720L, F625L.
Identifiers: ClinVar variation 1946549 (VCV001946549.5), dbSNP rs746269633, ClinGen allele CA398625412.